The following is an entry in ClinVar:

ClinVar aggregate classification (germline): Conflicting classifications of pathogenicity. Review status: criteria provided, conflicting classifications (1 of 4 stars). 7 submissions from 7 submitters: Uncertain significance (5); Likely benign (2). Last evaluated 2026-07-30.

Conditions:
Patterned macular dystrophy 2. Identifiers: Orphanet 99001, MedGen C1837029, MONDO:0012162, OMIM 608970.
CTNNA1-related disorder. Also called: CTNNA1-related condition.
Hereditary cancer-predisposing syndrome. Also called: Neoplastic Syndromes, Hereditary; Tumor predisposition; Hereditary neoplastic syndrome; Hereditary Cancer Syndrome. Identifiers: Orphanet 140162, MedGen C0027672, MeSH D009386, MONDO:0015356.
Hereditary diffuse gastric adenocarcinoma (HDGC). Also called: DIFFUSE GASTRIC AND LOBULAR BREAST CANCER SYNDROME. Identifiers: Orphanet 26106, MedGen C1708349, MONDO:0007648, OMIM 137215.

Allele frequency attached by ClinVar (database versions not stated): gnomAD exomes 0.00003 and 0.00007; gnomAD 0.00004 and 0.00005; TOPMed 0.00005; ExAC 0.00007; ESP Exome Variant Server 0.00008; 1000 Genomes Project 30x 0.00016; 1000 Genomes Project 0.00020.
gnomAD v4.1: 54 of 1,614,222 alleles (0.0033%); highest among the groups gnomAD compares: Middle Eastern, 0.033%; no homozygotes.

Submissions (7):

PreventionGenetics, part of Exact Sciences
Classification: Uncertain significance for CTNNA1-related condition. Last evaluated: 2026-07-30. Review status: criteria provided, single submitter. Criteria: ACMG Guidelines, 2015. Collection method: clinical testing. Allele origin: germline.
Comment: The CTNNA1 c.637A>G variant is predicted to result in the amino acid substitution p.Ile213Val. This variant was reported in several individuals who underwent germline genetic testing for gastric and/or breast cancer (Supplemental Table 1, Clark et al. 2020. PubMed ID: 32051609). This variant is reported in 0.012% of alleles in individuals of European (Non-Finnish) descent in gnomAD and has conflicting interpretations of pathogenicity in ClinVar of uncertain significance and likely benign (Variation ID: 653123). At this time, the clinical significance of this variant is uncertain due to the absence of conclusive functional and genetic evidence.

Labcorp Genetics (formerly Invitae), Labcorp
Classification: Uncertain significance. Last evaluated: 2026-02-01. Review status: criteria provided, single submitter. Criteria: Invitae Variant Classification Sherloc (09022015). Collection method: clinical testing. Allele origin: germline.
Comment: This sequence change replaces isoleucine, which is neutral and non-polar, with valine, which is neutral and non-polar, at codon 213 of the CTNNA1 protein (p.Ile213Val). This variant is present in population databases (rs201391408, gnomAD 0.01%). This variant has not been reported in the literature in individuals affected with CTNNA1-related conditions. ClinVar contains an entry for this variant (Variation ID: 653123). Invitae Evidence Modeling of protein sequence and biophysical properties (such as structural, functional, and spatial information, amino acid conservation, physicochemical variation, residue mobility, and thermodynamic stability) indicates that this missense variant is not expected to disrupt CTNNA1 protein function with a negative predictive value of 80%. In summary, the available evidence is currently insufficient to determine the role of this variant in disease. Therefore, it has been classified as a Variant of Uncertain Significance.

Myriad Genetics, Inc.
Classification: Likely benign for Hereditary diffuse gastric adenocarcinoma. Last evaluated: 2024-10-10. Review status: criteria provided, single submitter. Criteria: Myriad Autosomal Dominant, Autosomal Recessive and X-Linked Classification Criteria (2023). Collection method: clinical testing. Allele origin: unknown.
Comment: This variant is considered likely benign. This variant has been observed at a population frequency that is significantly greater than expected given the associated disease prevalence and penetrance.

Baylor Genetics
Classification: Uncertain significance for Patterned macular dystrophy 2. Last evaluated: 2024-01-31. Review status: criteria provided, single submitter. Criteria: ACMG Guidelines, 2015. Collection method: clinical testing. Allele origin: unknown.

GeneDx
Classification: Uncertain significance. Last evaluated: 2023-09-29. Review status: criteria provided, single submitter. Criteria: GeneDx Variant Classification Process June 2021. Collection method: clinical testing. Allele origin: germline. Affected: yes.
Comment: In silico analysis supports that this missense variant does not alter protein structure/function; Has not been previously published as pathogenic or benign to our knowledge; This variant is associated with the following publications: (PMID: 32051609)

Fulgent Genetics
Classification: Uncertain significance for Patterned macular dystrophy 2. Last evaluated: 2022-04-23. Review status: criteria provided, single submitter. Criteria: ACMG Guidelines, 2015. Collection method: clinical testing. Allele origin: unknown.

Ambry Genetics
Classification: Likely benign for Hereditary cancer-predisposing syndrome. Last evaluated: 2021-07-20. Review status: criteria provided, single submitter. Criteria: Ambry Variant Classification Scheme 2023. Collection method: clinical testing. Allele origin: germline.

NM_001903.5(CTNNA1):c.637A>G (p.Ile213Val)

Gene: CTNNA1 (catenin alpha 1; plus strand). Cytogenetic location: 5q31.2.
Variant type: single nucleotide variant.
Coding change: c.637A>G on transcript NM_001903.5 (MANE Select); coding-DNA position 637, A replaced by G.
Protein change: p.Ile213Val; replaces isoleucine 213 with valine.
Molecular consequence: missense variant.
Genome position (GRCh38, 1-based): chr5:138,824,578, A>G. VCF-style: chr5-138824578-A-G. GRCh37 (hg19) VCF-style: chr5-138160267-A-G.
Other names: c.637A>G, p.Ile213Val (NM_001290307.3, NM_001323982.2, NM_001323983.1 and 3 more transcripts); c.328A>G, p.Ile110Val (NM_001290309.3); c.268A>G, p.Ile90Val (NM_001290310.3); c.637A>G (NM_001903.4); short protein forms I213V, I110V, I90V.
Identifiers: ClinVar variation 653123 (VCV000653123.18), dbSNP rs201391408, ClinGen allele CA3431514.